The following is an entry in ClinVar:

ClinVar aggregate classification (germline): Uncertain significance (1 of 4 stars; one submission).

gnomAD v4.1: 2 of 1,614,164 alleles (0.00012%); highest among the groups gnomAD compares: Non-Finnish European, 0.00017%; no homozygotes.

Submission:

Labcorp Genetics (formerly Invitae), Labcorp
Classification: Uncertain significance. Last evaluated: 2025-07-21. Review status: criteria provided, single submitter. Criteria: Invitae Variant Classification Sherloc (09022015). Collection method: clinical testing. Allele origin: germline.
Comment: This sequence change replaces glutamic acid, which is acidic and polar, with aspartic acid, which is acidic and polar, at codon 16 of the TFRC protein (p.Glu16Asp). This variant is present in population databases (rs768479499, gnomAD 0.0009%). This variant has not been reported in the literature in individuals affected with TFRC-related conditions. An algorithm developed to predict the effect of missense changes on protein structure and function (PolyPhen-2) suggests that this variant is likely to be disruptive. In summary, the available evidence is currently insufficient to determine the role of this variant in disease. Therefore, it has been classified as a Variant of Uncertain Significance.

NM_001128148.3(TFRC):c.48A>C (p.Glu16Asp)

Gene: TFRC (transferrin receptor; minus strand). Cytogenetic location: 3q29.
Variant type: single nucleotide variant.
Coding change: c.48A>C on transcript NM_001128148.3 (MANE Select); coding-DNA position 48, A replaced by C.
Protein change: p.Glu16Asp; replaces glutamic acid 16 with aspartic acid.
Molecular consequence: missense variant. On other transcripts: intron variant (2).
Genome position (GRCh38, 1-based): chr3:196,075,349, T>G on the plus strand (A>C on the coding strand, the complement: TFRC is on the minus strand). VCF-style: chr3-196075349-T-G. GRCh37 (hg19) VCF-style: chr3-195802220-T-G.
Other names: c.48A>C, p.Glu16Asp (NM_003234.4); c.-413+1715A>C (NM_001313966.2); c.-5-1224A>C (NM_001313965.2); short protein forms E16D.
Identifiers: ClinVar variation 4800308 (VCV004800308.1).
Genomic context (GRCh38, chr3:196,075,349, plus strand): 5'-CACATGACTGTTATCGCCATCTACTTGCCGAGCCAGGCTGAACCGGGTATATGACAATGG[T>G]TCTCCACCAAACTGTGTTGCGGAAAAAGGCATGATGAAGAACAGGCACGGGAATGTTTAG-3'
Protein context (NP_001121620.1, residues 6-26): RSAFSNLFGG[Glu16Asp]PLSYTRFSLA